The following is an entry in ClinVar:

ClinVar aggregate classification (germline): Uncertain significance (1 of 4 stars; one submission).

Allele frequency attached by ClinVar (database versions not stated): gnomAD exomes below 0.00001.
gnomAD v4.1: 3 of 1,614,232 alleles (0.00019%); highest among the groups gnomAD compares: Non-Finnish European, 0.00025%; no homozygotes.

Submission:

Labcorp Genetics (formerly Invitae), Labcorp
Classification: Uncertain significance. Last evaluated: 2025-01-27. Review status: criteria provided, single submitter. Criteria: Invitae Variant Classification Sherloc (09022015). Collection method: clinical testing. Allele origin: germline.
Comment: This sequence change replaces glycine, which is neutral and non-polar, with arginine, which is basic and polar, at codon 414 of the ARID1A protein (p.Gly414Arg). This variant is not present in population databases (gnomAD no frequency). This variant has not been reported in the literature in individuals affected with ARID1A-related conditions. ClinVar contains an entry for this variant (Variation ID: 2776303). Invitae Evidence Modeling of protein sequence and biophysical properties (such as structural, functional, and spatial information, amino acid conservation, physicochemical variation, residue mobility, and thermodynamic stability) has been performed for this missense variant. However, the output from this modeling did not meet the statistical confidence thresholds required to predict the impact of this variant on ARID1A protein function. In summary, the available evidence is currently insufficient to determine the role of this variant in disease. Therefore, it has been classified as a Variant of Uncertain Significance.

NM_006015.6(ARID1A):c.1240G>A (p.Gly414Arg)

Gene: ARID1A (AT-rich interaction domain 1A; plus strand). Cytogenetic location: 1p36.11.
Variant type: single nucleotide variant.
Coding change: c.1240G>A on transcript NM_006015.6 (MANE Select); coding-DNA position 1240, G replaced by A.
Protein change: p.Gly414Arg; replaces glycine 414 with arginine.
Molecular consequence: missense variant.
Genome position (GRCh38, 1-based): chr1:26,729,753, G>A. VCF-style: chr1-26729753-G-A. GRCh37 (hg19) VCF-style: chr1-27056244-G-A.
Other names: c.1240G>A, p.Gly414Arg (NM_139135.4); short protein forms G414R.
Identifiers: ClinVar variation 2776303 (VCV002776303.3), dbSNP rs2525715926, ClinGen allele CA339267616.
Genomic context (GRCh38, chr1:26,729,753, plus strand): 5'-CCATATGGCGGGACTAACCCATACTCGCAGCAACAGGGACCTCCGTCAGGACCGCAGCAA[G>A]GACATGGGTACCCAGGGCAGCCATACGGGTCCCAGACCCCGCAGCGGTACCCGATGACCA-3'
Protein context (NP_006006.3, residues 404-424): QQGPPSGPQQ[Gly414Arg]HGYPGQPYGS